The following is an entry in ClinVar:

NM_005993.5(TBCD):c.1223+8A>T

Gene: TBCD (tubulin folding cofactor D). Cytogenetic location: 17q25.3.
Variant type: single nucleotide variant.
Coding change: c.1223+8A>T on transcript NM_005993.5 (MANE Select); 8 bases into the intron after coding-DNA position 1223, A replaced by T.
Molecular consequence: intron variant.
Genome position (GRCh38, 1-based): chr17:82,809,790, A>T. VCF-style: chr17-82809790-A-T. GRCh37 (hg19) VCF-style: chr17-80767666-A-T.
Other names: c.1223+8A>T (NM_005993.4).
Identifiers: ClinVar variation 1572610 (VCV001572610.11), dbSNP rs374106917, ClinGen allele CA8861940.

ClinVar aggregate classification (germline): Likely benign. Review status: criteria provided, multiple submitters, no conflicts (2 of 4 stars). 3 submissions from 3 submitters: Likely benign (2). 1 of the submissions does not count toward it. Last evaluated 2024-10-23.

Conditions:
TBCD-related disorder. Also called: TBCD-related condition.

Allele frequency attached by ClinVar (database versions not stated): ExAC 0.00013; gnomAD exomes 0.00013 and 0.00027; gnomAD 0.00014 and 0.00015; TOPMed 0.00015; ESP Exome Variant Server 0.00024.
gnomAD v4.1: 415 of 1,612,852 alleles (0.026%); highest among the groups gnomAD compares: Non-Finnish European, 0.033%; no homozygotes.

Submissions (3):

Labcorp Genetics (formerly Invitae), Labcorp
Classification: Likely benign. Last evaluated: 2024-10-23. Review status: criteria provided, single submitter. Criteria: Invitae Variant Classification Sherloc (09022015). Collection method: clinical testing. Allele origin: germline.

Blueprint Genetics
Classification: Likely benign. Last evaluated: 2023-08-08. Review status: criteria provided, single submitter. Criteria: ACMG Guidelines, 2015. Collection method: clinical testing. Allele origin: germline.

PreventionGenetics, part of Exact Sciences
Classification: Likely benign for TBCD-related condition. Last evaluated: 2019-06-27. Review status: no assertion criteria provided. Collection method: clinical testing. Allele origin: germline. Not counted in ClinVar's aggregate classification.
Comment: This variant is classified as likely benign based on ACMG/AMP sequence variant interpretation guidelines (Richards et al. 2015 PMID: 25741868, with internal and published modifications).